The following is an entry in ClinVar:

ClinVar aggregate classification (germline): Likely benign. Review status: criteria provided, single submitter (1 of 4 stars). 2 submissions from 2 submitters: Likely benign (1). 1 of the submissions does not count toward it. Last evaluated 2026-01-07.

Conditions:
STIM1-related disorder. Also called: STIM1-related condition.
Stormorken syndrome (STRMK). Also called: THROMBOCYTOPATHY, ASPLENIA, AND MIOSIS. Identifiers: Orphanet 3204, MedGen C1861451, MONDO:0008497, OMIM 185070.
Combined immunodeficiency due to STIM1 deficiency. Also called: STIM1 DEFICIENCY; IMMUNODEFICIENCY 10. Identifiers: Orphanet 169090, Orphanet 317430, MedGen C2748557, MONDO:0013008, OMIM 612783.
Myopathy with tubular aggregates (TAM). Also called: Tubular Aggregate Myopathy. Identifiers: Orphanet 2593, MedGen C0410207, MONDO:0008051.

Allele frequency attached by ClinVar (database versions not stated): gnomAD exomes 0.00001 and 0.00002; ExAC 0.00002; TOPMed 0.00001.
gnomAD v4.1: 15 of 1,613,874 alleles (0.00093%); highest among the groups gnomAD compares: Middle Eastern, 0.13%; no homozygotes.

Submissions (2):

Labcorp Genetics (formerly Invitae), Labcorp
Classification: Likely benign for Myopathy with tubular aggregates; Combined immunodeficiency due to STIM1 deficiency; Stormorken syndrome. Last evaluated: 2026-01-07. Review status: criteria provided, single submitter. Criteria: Invitae Variant Classification Sherloc (09022015). Collection method: clinical testing. Allele origin: germline.

PreventionGenetics, part of Exact Sciences
Classification: Likely benign for STIM1-related condition. Last evaluated: 2024-05-01. Review status: no assertion criteria provided. Collection method: clinical testing. Allele origin: germline. Not counted in ClinVar's aggregate classification.
Comment: This variant is classified as likely benign based on ACMG/AMP sequence variant interpretation guidelines (Richards et al. 2015 PMID: 25741868, with internal and published modifications).

NM_001382567.1(STIM1):c.285C>T (p.Asp95=)

Gene: STIM1 (stromal interaction molecule 1; plus strand). Cytogenetic location: 11p15.4.
Variant type: single nucleotide variant.
Coding change: c.285C>T on transcript NM_001382567.1 (MANE Select); coding-DNA position 285, C replaced by T.
Protein change: p.Asp95=; no amino-acid change (aspartic acid 95 retained).
Molecular consequence: synonymous variant. On other transcripts: 5 prime UTR variant (3), non-coding transcript variant (3).
Genome position (GRCh38, 1-based): chr11:4,023,887, C>T. VCF-style: chr11-4023887-C-T. GRCh37 (hg19) VCF-style: chr11-4045117-C-T.
Other names: c.285C>T, p.Asp95= (NM_001277961.3, NM_001277962.2, NM_001382568.1 and 3 more transcripts); c.63C>T, p.Asp21= (NM_001382566.1, NM_001382573.1, NM_001382574.1 and 5 more transcripts); c.150C>T, p.Asp50= (NM_001382569.1); c.-84C>T (NM_001382571.1); c.-205C>T (NM_001382580.1, NM_001382581.1); c.285C>T (NM_003156.3).
Identifiers: ClinVar variation 1125898 (VCV001125898.10), dbSNP rs780488492, ClinGen allele CA5830173.
Genomic context (GRCh38, chr11:4,023,887, plus strand): 5'-CTGACTCCTAGGTATCTCTTGTGACTTGTGTACTTTTCCCTTGCAGTTCCTGAGGGAAGA[C>T]CTCAATTACCATGACCCAACAGTGAAACACAGCACCTTCCATGGTGAGGATAAGCTCATC-3'
Protein context (NP_001369496.1, residues 85-105): VEESDEFLRE[Asp95=]LNYHDPTVKH